The following is an entry in ClinVar:

NM_000545.8(HNF1A):c.944G>T (p.Ser315Ile)

Gene: HNF1A (HNF1 homeobox A; plus strand). Cytogenetic location: 12q24.31.
Variant type: single nucleotide variant.
Coding change: c.944G>T on transcript NM_000545.8 (MANE Select); coding-DNA position 944, G replaced by T.
Protein change: p.Ser315Ile; replaces serine 315 with isoleucine.
Molecular consequence: missense variant.
Genome position (GRCh38, 1-based): chr12:120,994,394, G>T. VCF-style: chr12-120994394-G-T. GRCh37 (hg19) VCF-style: chr12-121432197-G-T.
Other names: c.944G>T, p.Ser315Ile (NM_001306179.2, NM_001406915.1); short protein forms S315I.
Identifiers: ClinVar variation 4996757 (VCV004996757.1).
Genomic context (GRCh38, chr12:120,994,394, plus strand): 5'-CGGGACCTGCGCTGCCCGCTCACAGCTCCCCTGGCCTGCCTCCACCTGCCCTCTCCCCCA[G>T]TAAGGTCCACGGTAAGTGGTATGTGGGGACAAGGGACACGTGGGAAGGTGGGAGGGTTGG-3'
Protein context (NP_000536.6, residues 305-325): PGLPPPALSP[Ser315Ile]KVHGVRYGQP

ClinVar aggregate classification (germline): Uncertain significance (1 of 4 stars; one submission).

Conditions:
HNF1A-related disorder. Also called: HNF1A-related condition.

Submission:

PreventionGenetics, part of Exact Sciences
Classification: Uncertain significance for HNF1A-related condition. Last evaluated: 2025-08-08. Review status: criteria provided, single submitter. Criteria: ACMG Guidelines, 2015. Collection method: clinical testing. Allele origin: germline.
Comment: The HNF1A c.944G>T variant is predicted to result in the amino acid substitution p.Ser315Ile. To our knowledge, this variant has not been reported in the literature or in a large population database (gnomAD), indicating this variant is rare. At this time, the clinical significance of this variant is uncertain due to the absence of conclusive functional and genetic evidence.